The following is an entry in ClinVar:

NM_003242.6(TGFBR2):c.168G>A (p.Val56=)

Gene: TGFBR2 (transforming growth factor beta receptor 2; plus strand). Cytogenetic location: 3p24.1.
Variant type: single nucleotide variant.
Coding change: c.168G>A on transcript NM_003242.6 (MANE Select); coding-DNA position 168, G replaced by A.
Protein change: p.Val56=; no amino-acid change (valine 56 retained).
Molecular consequence: synonymous variant. On other transcripts: intron variant (2).
Genome position (GRCh38, 1-based): chr3:30,644,820, G>A. VCF-style: chr3-30644820-G-A. GRCh37 (hg19) VCF-style: chr3-30686312-G-A.
Other names: c.168G>A (NM_003242.5); c.243G>A, p.Val81= (NM_001024847.3, NM_001407126.1, NM_001407139.1); c.168G>A, p.Val56= (NM_001407127.1, NM_001407130.1); c.195G>A, p.Val65= (NM_001407128.1); c.63G>A, p.Val21= (NM_001407129.1, NM_001407132.1, NM_001407133.1 and 3 more transcripts); c.169+21547G>A (NM_001407137.1); c.95-26818G>A (NM_001407138.1).
Identifiers: ClinVar variation 3073325 (VCV003073325.4), dbSNP rs2470510112, ClinGen allele CA432917322.

ClinVar aggregate classification (germline): Conflicting classifications of pathogenicity. Review status: criteria provided, conflicting classifications (1 of 4 stars). 3 submissions from 3 submitters: Uncertain significance (1); Likely benign (2). Last evaluated 2025-09-05.

Conditions:
Loeys-Dietz syndrome 2 (LDS2). Also called: TGFBR2-Related Loeys-Dietz Syndrome; AORTIC ANEURYSM, FAMILIAL THORACIC 3; MARFAN SYNDROME, TYPE II; Marfan syndrome, type 2 (formerly); Marfan Syndrome type 2; Marfan like connective tissue disorder. Identifiers: Orphanet 284973, Orphanet 558, MedGen C2674574, MONDO:0012427, OMIM 610168.
Familial thoracic aortic aneurysm and aortic dissection (TAAD). Also called: Thoracic aortic aneurysms and dissections. Identifiers: Orphanet 91387, MedGen C4707243, MONDO:0019625.

Allele frequency attached by ClinVar (database versions not stated): gnomAD exomes below 0.00001.
gnomAD v4.1: 6 of 1,614,162 alleles (0.00037%); highest among the groups gnomAD compares: South Asian, 0.0022%; no homozygotes.

Submissions (3):

Color Diagnostics, LLC DBA Color Health
Classification: Likely benign for Familial thoracic aortic aneurysm and aortic dissection. Last evaluated: 2025-09-05. Review status: criteria provided, single submitter. Criteria: ACMG Guidelines, 2015. Collection method: clinical testing. Allele origin: germline.

Ambry Genetics
Classification: Likely benign for Familial thoracic aortic aneurysm and aortic dissection. Last evaluated: 2024-08-19. Review status: criteria provided, single submitter. Criteria: Ambry Variant Classification Scheme 2023. Collection method: clinical testing. Allele origin: germline.

All of Us Research Program, National Institutes of Health
Classification: Uncertain significance for Loeys-Dietz syndrome 2. Last evaluated: 2023-09-04. Review status: criteria provided, single submitter. Criteria: ACMG Guidelines, 2015. Collection method: clinical testing. Allele origin: germline. Inheritance: Autosomal dominant inheritance. Observed: 1 variant allele, 1 heterozygote.
Comment: This variant is located in the TGFBR2 protein. To our knowledge, functional studies have not been reported for this variant. This variant has not been reported in individuals affected with TGFBR2-related disorders in the literature. This variant has not been identified in the general population by the Genome Aggregation Database (gnomAD). The available evidence is insufficient to determine the role of this variant in disease conclusively. Therefore, this variant is classified as a Variant of Uncertain Significance.

This study involves interpretation of variants in research participants for the purpose of population health screening. Participant phenotype was not available at the time of variant classification. Additional details can be found in publication PMID: 35346344, PMCID: PMC8962531